The following is an entry in ClinVar:

NM_002439.5(MSH3):c.911T>C (p.Val304Ala)

Genes: MSH3 (mutS homolog 3; plus strand), LOC126807437 (MED14-independent group 3 enhancer GRCh37_chr5:79968379-79969578; plus strand). Cytogenetic location: 5q14.1.
Variant type: single nucleotide variant.
Coding change: c.911T>C on transcript NM_002439.5 (MANE Select); coding-DNA position 911, T replaced by C.
Protein change: p.Val304Ala; replaces valine 304 with alanine.
Molecular consequence: missense variant.
Genome position (GRCh38, 1-based): chr5:80,672,742, T>C. VCF-style: chr5-80672742-T-C. GRCh37 (hg19) VCF-style: chr5-79968561-T-C.
Other names: short protein forms V304A.
Identifiers: ClinVar variation 3646916 (VCV003646916.2).
Genomic context (GRCh38, chr5:80,672,742, plus strand): 5'-TGAGTTTTTACAAGTCATTTTTTATCCTTTGATAGCAATATTTCTTATTTTTGTTGAAGG[T>C]GGGAGTTGTGAAGCAAACTGAAACTGCAGCATTAAAGGCCATTGGAGACAACAGAAGTTC-3'
Protein context (NP_002430.3, residues 294-314): VRRLVAKGYK[Val304Ala]GVVKQTETAA

ClinVar aggregate classification (germline): Uncertain significance (1 of 4 stars; one submission).

Submission:

Labcorp Genetics (formerly Invitae), Labcorp
Classification: Uncertain significance. Last evaluated: 2024-03-20. Review status: criteria provided, single submitter. Criteria: Invitae Variant Classification Sherloc (09022015). Collection method: clinical testing. Allele origin: germline.
Comment: This sequence change replaces valine, which is neutral and non-polar, with alanine, which is neutral and non-polar, at codon 304 of the MSH3 protein (p.Val304Ala). This variant is not present in population databases (gnomAD no frequency). This variant has not been reported in the literature in individuals affected with MSH3-related conditions. An algorithm developed to predict the effect of missense changes on protein structure and function (PolyPhen-2) suggests that this variant is likely to be disruptive. In summary, the available evidence is currently insufficient to determine the role of this variant in disease. Therefore, it has been classified as a Variant of Uncertain Significance.